The following is an entry in ClinVar:

NM_006946.4(SPTBN2):c.530C>T (p.Ser177Leu)

Gene: SPTBN2 (spectrin beta, non-erythrocytic 2; minus strand). Cytogenetic location: 11q13.2.
Variant type: single nucleotide variant.
Coding change: c.530C>T on transcript NM_006946.4 (MANE Select); coding-DNA position 530, C replaced by T.
Protein change: p.Ser177Leu; replaces serine 177 with leucine.
Molecular consequence: missense variant.
Genome position (GRCh38, 1-based): chr11:66,714,361, G>A on the plus strand (C>T on the coding strand, the complement: SPTBN2 is on the minus strand). VCF-style: chr11-66714361-G-A. GRCh37 (hg19) VCF-style: chr11-66481832-G-A.
Other names: c.551C>T, p.Ser184Leu (NM_001411025.1); short protein forms S177L, S184L.
Identifiers: ClinVar variation 3659347 (VCV003659347.2).

ClinVar aggregate classification (germline): Uncertain significance (1 of 4 stars; one submission).

gnomAD v4.1: 1 of 1,613,972 alleles (0.000062%); highest among the groups gnomAD compares: Non-Finnish European, 0.000085%; no homozygotes.

Submission:

Labcorp Genetics (formerly Invitae), Labcorp
Classification: Uncertain significance. Last evaluated: 2025-03-31. Review status: criteria provided, single submitter. Criteria: Invitae Variant Classification Sherloc (09022015). Collection method: clinical testing. Allele origin: germline.
Comment: This sequence change replaces serine, which is neutral and polar, with leucine, which is neutral and non-polar, at codon 177 of the SPTBN2 protein (p.Ser177Leu). This variant is not present in population databases (gnomAD no frequency). This variant has not been reported in the literature in individuals affected with SPTBN2-related conditions. Invitae Evidence Modeling of protein sequence and biophysical properties (such as structural, functional, and spatial information, amino acid conservation, physicochemical variation, residue mobility, and thermodynamic stability) indicates that this missense variant is expected to disrupt SPTBN2 protein function with a positive predictive value of 80%. In summary, the available evidence is currently insufficient to determine the role of this variant in disease. Therefore, it has been classified as a Variant of Uncertain Significance.